The following is an entry in ClinVar:

ClinVar aggregate classification (germline): Uncertain significance. Review status: criteria provided, multiple submitters, no conflicts (2 of 4 stars). 2 submissions from 2 submitters: Uncertain significance (2). Last evaluated 2024-12-26.

Conditions:
Inborn genetic diseases. Identifiers: MedGen C0950123, MeSH D030342.

Allele frequency attached by ClinVar (database versions not stated): ESP Exome Variant Server 0.00008; ExAC 0.00016; TOPMed 0.00002; gnomAD exomes 0.00004; gnomAD 0.00006.
gnomAD v4.1: 76 of 1,614,228 alleles (0.0047%); highest among the groups gnomAD compares: South Asian, 0.06%; 3 homozygotes.

Submissions (2):

GeneDx
Classification: Uncertain significance. Last evaluated: 2024-12-26. Review status: criteria provided, single submitter. Criteria: GeneDx Variant Classification Process June 2021. Collection method: clinical testing. Allele origin: germline. Affected: yes.
Comment: In silico analysis supports that this missense variant has a deleterious effect on protein structure/function; Has not been previously published as pathogenic or benign to our knowledge

Ambry Genetics
Classification: Uncertain significance for Inborn genetic diseases. Last evaluated: 2022-04-13. Review status: criteria provided, single submitter. Criteria: Ambry Variant Classification Scheme 2023. Collection method: clinical testing. Allele origin: germline.

NM_004817.4(TJP2):c.3499C>T (p.Arg1167Cys)

Gene: TJP2 (tight junction protein 2; plus strand). Cytogenetic location: 9q21.11.
Variant type: single nucleotide variant.
Coding change: c.3499C>T on transcript NM_004817.4 (MANE Select); coding-DNA position 3499, C replaced by T.
Protein change: p.Arg1167Cys; replaces arginine 1167 with cysteine.
Molecular consequence: missense variant.
Genome position (GRCh38, 1-based): chr9:69,254,300, C>T. VCF-style: chr9-69254300-C-T. GRCh37 (hg19) VCF-style: chr9-71869216-C-T.
Other names: c.2989C>T, p.Arg997Cys (NM_001170414.2); c.3400C>T, p.Arg1134Cys (NM_001170415.1); c.3592C>T, p.Arg1198Cys (NM_001170416.2); c.3424C>T, p.Arg1142Cys (NM_001369870.1); c.3430C>T, p.Arg1144Cys (NM_001369871.1); c.3388C>T, p.Arg1130Cys (NM_001369872.1); c.3175C>T, p.Arg1059Cys (NM_001369873.1); c.3070C>T, p.Arg1024Cys (NM_001369874.1); and 2 more; short protein forms R1134C, R1142C, R1198C, R997C, R1144C, R1024C, R1130C, R1020C.
Identifiers: ClinVar variation 2283712 (VCV002283712.3), dbSNP rs377625722, ClinGen allele CA5074001.